The following is an entry in ClinVar:

ClinVar aggregate classification (germline): Uncertain significance (1 of 4 stars; one submission).

Allele frequency attached by ClinVar (database versions not stated): TOPMed 0.00003; gnomAD 0.00005; ESP Exome Variant Server 0.00008.
gnomAD v4.1: 15 of 1,612,618 alleles (0.00093%); highest among the groups gnomAD compares: African/African-American, 0.012%; no homozygotes.

Submission:

Labcorp Genetics (formerly Invitae), Labcorp
Classification: Uncertain significance. Last evaluated: 2023-12-19. Review status: criteria provided, single submitter. Criteria: Invitae Variant Classification Sherloc (09022015). Collection method: clinical testing. Allele origin: germline.
Comment: This sequence change replaces arginine, which is basic and polar, with cysteine, which is neutral and slightly polar, at codon 1711 of the TUBGCP6 protein (p.Arg1711Cys). This variant is present in population databases (rs377474891, gnomAD 0.008%). This variant has not been reported in the literature in individuals affected with TUBGCP6-related conditions. ClinVar contains an entry for this variant (Variation ID: 1017438). An algorithm developed to predict the effect of missense changes on protein structure and function (PolyPhen-2) suggests that this variant is likely to be disruptive. In summary, the available evidence is currently insufficient to determine the role of this variant in disease. Therefore, it has been classified as a Variant of Uncertain Significance.

NM_020461.4(TUBGCP6):c.5131C>T (p.Arg1711Cys)

Gene: TUBGCP6 (tubulin gamma complex component 6; minus strand). Cytogenetic location: 22q13.33.
Variant type: single nucleotide variant.
Coding change: c.5131C>T on transcript NM_020461.4 (MANE Select); coding-DNA position 5131, C replaced by T.
Protein change: p.Arg1711Cys; replaces arginine 1711 with cysteine.
Molecular consequence: missense variant.
Genome position (GRCh38, 1-based): chr22:50,218,226, G>A on the plus strand (C>T on the coding strand, the complement: TUBGCP6 is on the minus strand). VCF-style: chr22-50218226-G-A. GRCh37 (hg19) VCF-style: chr22-50656655-G-A.
Other names: short protein forms R1711C.
Identifiers: ClinVar variation 1017438 (VCV001017438.6), dbSNP rs377474891, ClinGen allele CA10307171.